The following is an entry in ClinVar:

NM_001170629.2(CHD8):c.1895T>G (p.Phe632Cys)

Gene: CHD8 (chromodomain helicase DNA binding protein 8; minus strand). Cytogenetic location: 14q11.2.
Variant type: single nucleotide variant.
Coding change: c.1895T>G on transcript NM_001170629.2 (MANE Select); coding-DNA position 1895, T replaced by G.
Protein change: p.Phe632Cys; replaces phenylalanine 632 with cysteine.
Molecular consequence: missense variant.
Genome position (GRCh38, 1-based): chr14:21,415,729, A>C on the plus strand (T>G on the coding strand, the complement: CHD8 is on the minus strand). VCF-style: chr14-21415729-A-C. GRCh37 (hg19) VCF-style: chr14-21883888-A-C.
Other names: c.1058T>G, p.Phe353Cys (NM_020920.4); short protein forms F353C, F632C.
Identifiers: ClinVar variation 4539901 (VCV004539901.1).
Genomic context (GRCh38, chr14:21,415,729, plus strand): 5'-CAGATGATTGTGACCAGCAAGGCAATCCTCTGAAATCATTTGAGTTTACAGCTTACCACA[A>C]AGAACTGCATGGAAGGCAAAGTCTCGCCATCTGGTTCTTGCACTGGTTCAGGGAGGATAG-3'
Protein context (NP_001164100.1, residues 622-642): DGETLPSMQF[Phe632Cys]VENPSEEDAA

ClinVar aggregate classification (germline): Uncertain significance (1 of 4 stars; one submission).

Submission:

GeneDx
Classification: Uncertain significance. Last evaluated: 2025-06-26. Review status: criteria provided, single submitter. Criteria: GeneDx Variant Classification Process June 2021. Collection method: clinical testing. Allele origin: germline. Affected: yes.
Comment: Not observed at significant frequency in large population cohorts (gnomAD); In silico analysis supports that this missense variant has a deleterious effect on protein structure/function; Has not been previously published as pathogenic or benign to our knowledge